The following is an entry in ClinVar:

NM_020778.5(ALPK3):c.1081G>A (p.Val361Met)

Gene: ALPK3 (alpha kinase 3; plus strand). Cytogenetic location: 15q25.3.
Variant type: single nucleotide variant.
Coding change: c.1081G>A on transcript NM_020778.5 (MANE Select); coding-DNA position 1081, G replaced by A.
Protein change: p.Val361Met; replaces valine 361 with methionine.
Molecular consequence: missense variant.
Genome position (GRCh38, 1-based): chr15:84,840,360, G>A. VCF-style: chr15-84840360-G-A. GRCh37 (hg19) VCF-style: chr15-85383591-G-A.
Other names: c.1687G>A (NM_020778.4); short protein forms V361M.
Identifiers: ClinVar variation 1477744 (VCV001477744.8), dbSNP rs774628152, ClinGen allele CA7709118.

ClinVar aggregate classification (germline): Conflicting classifications of pathogenicity. Review status: criteria provided, conflicting classifications (1 of 4 stars). 2 submissions from 2 submitters: Uncertain significance (1); Likely benign (1). Last evaluated 2025-05-17.

Conditions:
Cardiovascular phenotype. Identifiers: MedGen CN230736.

Allele frequency attached by ClinVar (database versions not stated): ExAC 0.00001; gnomAD 0.00001; gnomAD exomes 0.00001; TOPMed 0.00001.
gnomAD v4.1: 17 of 1,613,388 alleles (0.0011%); highest among the groups gnomAD compares: South Asian, 0.012%; no homozygotes.

Submissions (2):

Labcorp Genetics (formerly Invitae), Labcorp
Classification: Uncertain significance. Last evaluated: 2025-05-17. Review status: criteria provided, single submitter. Criteria: Invitae Variant Classification Sherloc (09022015). Collection method: clinical testing. Allele origin: germline.
Comment: This sequence change replaces valine, which is neutral and non-polar, with methionine, which is neutral and non-polar, at codon 563 of the ALPK3 protein (p.Val563Met). This variant is present in population databases (rs774628152, gnomAD 0.01%). This variant has not been reported in the literature in individuals affected with ALPK3-related conditions. ClinVar contains an entry for this variant (Variation ID: 1477744). Invitae Evidence Modeling of protein sequence and biophysical properties (such as structural, functional, and spatial information, amino acid conservation, physicochemical variation, residue mobility, and thermodynamic stability) indicates that this missense variant is not expected to disrupt ALPK3 protein function with a negative predictive value of 80%. In summary, the available evidence is currently insufficient to determine the role of this variant in disease. Therefore, it has been classified as a Variant of Uncertain Significance.

Ambry Genetics
Classification: Likely benign for Cardiovascular phenotype. Last evaluated: 2024-01-02. Review status: criteria provided, single submitter. Criteria: Ambry Variant Classification Scheme 2023. Collection method: clinical testing. Allele origin: germline.